The following is an entry in ClinVar:

NM_002949.4(MRPL12):c.74+37G>A

Gene: MRPL12 (mitochondrial ribosomal protein L12; plus strand). Cytogenetic location: 17q25.3.
Variant type: single nucleotide variant.
Coding change: c.74+37G>A on transcript NM_002949.4 (MANE Select); 37 bases into the intron after coding-DNA position 74, G replaced by A.
Molecular consequence: intron variant.
Genome position (GRCh38, 1-based): chr17:81,703,612, G>A. VCF-style: chr17-81703612-G-A. GRCh37 (hg19) VCF-style: chr17-79670642-G-A.
Other names: NC_000017.10:g.79670642G>A.
Identifiers: ClinVar variation 676742 (VCV000676742.3), dbSNP rs34724580, ClinGen allele CA8841229.

ClinVar aggregate classification (germline): Benign. Review status: criteria provided, multiple submitters, no conflicts (2 of 4 stars). 2 submissions from 2 submitters: Benign (2). Last evaluated 2018-06-16.

Allele frequency attached by ClinVar (database versions not stated): ESP Exome Variant Server 0.04763; gnomAD 0.06598 and 0.06828; gnomAD exomes 0.06616 and 0.09258; TOPMed 0.07024; 1000 Genomes Project 30x 0.09884; 1000 Genomes Project 0.10423; ExAC 0.12812.
gnomAD v4.1: 90,067 of 1,354,568 alleles (6.6%); highest among the groups gnomAD compares: East Asian, 27%; 3,827 homozygotes.

Submissions (27):

GeneDx
Classification: Benign. Last evaluated: 2018-06-16. Review status: criteria provided, single submitter. Criteria: GeneDx Variant Classification (06012015). Collection method: clinical testing. Allele origin: germline. Affected: yes.
Comment: This variant is considered likely benign or benign based on one or more of the following criteria: it is a conservative change, it occurs at a poorly conserved position in the protein, it is predicted to be benign by multiple in silico algorithms, and/or has population frequency not consistent with disease.

Breakthrough Genomics
Classification: Benign. Review status: criteria provided, single submitter. Criteria: ACMG Guidelines, 2015. Collection method: not provided. Allele origin: germline. Inheritance: Autosomal recessive inheritance. Affected: yes.

Dr. Peter K. Rogan Lab, Western University
No classification provided (evidence only). Condition: Lung cancer. Review status: no classification provided. Collection method: in vitro. Allele origin: not applicable. Functional consequence: retained intron. Not counted in ClinVar's aggregate classification.

Dr. Peter K. Rogan Lab, Western University
No classification provided (evidence only). Condition: Lung cancer. Review status: no classification provided. Collection method: in vitro. Allele origin: not applicable. Functional consequence: retained intron. Not counted in ClinVar's aggregate classification.

Dr. Peter K. Rogan Lab, Western University
No classification provided (evidence only). Condition: Acute myeloid leukemia. Review status: no classification provided. Collection method: in vitro. Allele origin: not applicable. Functional consequence: retained intron. Not counted in ClinVar's aggregate classification.

Dr. Peter K. Rogan Lab, Western University
No classification provided (evidence only). Condition: Uterine corpus endometrial carcinoma. Review status: no classification provided. Collection method: in vitro. Allele origin: not applicable. Functional consequence: retained intron. Not counted in ClinVar's aggregate classification.

Dr. Peter K. Rogan Lab, Western University
No classification provided (evidence only). Condition: Cervical cancer. Review status: no classification provided. Collection method: in vitro. Allele origin: not applicable. Functional consequence: retained intron. Not counted in ClinVar's aggregate classification.

Dr. Peter K. Rogan Lab, Western University
No classification provided (evidence only). Condition: Cervical cancer. Review status: no classification provided. Collection method: in vitro. Allele origin: not applicable. Functional consequence: retained intron. Not counted in ClinVar's aggregate classification.

Dr. Peter K. Rogan Lab, Western University
No classification provided (evidence only). Condition: Sarcoma. Review status: no classification provided. Collection method: in vitro. Allele origin: not applicable. Functional consequence: retained intron. Not counted in ClinVar's aggregate classification.

Dr. Peter K. Rogan Lab, Western University
No classification provided (evidence only). Condition: Malignant lymphoma, large B-cell, diffuse. Review status: no classification provided. Collection method: in vitro. Allele origin: not applicable. Functional consequence: retained intron. Not counted in ClinVar's aggregate classification.

Dr. Peter K. Rogan Lab, Western University
No classification provided (evidence only). Condition: Thymoma. Review status: no classification provided. Collection method: in vitro. Allele origin: not applicable. Functional consequence: retained intron. Not counted in ClinVar's aggregate classification.

Dr. Peter K. Rogan Lab, Western University
No classification provided (evidence only). Condition: Ovarian serous cystadenocarcinoma. Review status: no classification provided. Collection method: in vitro. Allele origin: not applicable. Functional consequence: retained intron. Not counted in ClinVar's aggregate classification.

Dr. Peter K. Rogan Lab, Western University
No classification provided (evidence only). Condition: Ovarian serous cystadenocarcinoma. Review status: no classification provided. Collection method: in vitro. Allele origin: not applicable. Functional consequence: retained intron. Not counted in ClinVar's aggregate classification.

Dr. Peter K. Rogan Lab, Western University
No classification provided (evidence only). Condition: Ovarian serous cystadenocarcinoma. Review status: no classification provided. Collection method: in vitro. Allele origin: not applicable. Functional consequence: retained intron. Not counted in ClinVar's aggregate classification.

Dr. Peter K. Rogan Lab, Western University
No classification provided (evidence only). Condition: Ovarian serous cystadenocarcinoma. Review status: no classification provided. Collection method: in vitro. Allele origin: not applicable. Functional consequence: retained intron. Not counted in ClinVar's aggregate classification.

Dr. Peter K. Rogan Lab, Western University
No classification provided (evidence only). Condition: Ovarian serous cystadenocarcinoma. Review status: no classification provided. Collection method: in vitro. Allele origin: not applicable. Functional consequence: retained intron. Not counted in ClinVar's aggregate classification.

Dr. Peter K. Rogan Lab, Western University
No classification provided (evidence only). Condition: Gastric cancer. Review status: no classification provided. Collection method: in vitro. Allele origin: not applicable. Functional consequence: retained intron. Not counted in ClinVar's aggregate classification.

Dr. Peter K. Rogan Lab, Western University
No classification provided (evidence only). Condition: Gastric cancer. Review status: no classification provided. Collection method: in vitro. Allele origin: not applicable. Functional consequence: retained intron. Not counted in ClinVar's aggregate classification.

Dr. Peter K. Rogan Lab, Western University
No classification provided (evidence only). Condition: Gastric cancer. Review status: no classification provided. Collection method: in vitro. Allele origin: not applicable. Functional consequence: retained intron. Not counted in ClinVar's aggregate classification.

Dr. Peter K. Rogan Lab, Western University
No classification provided (evidence only). Condition: Gastric cancer. Review status: no classification provided. Collection method: in vitro. Allele origin: not applicable. Functional consequence: retained intron. Not counted in ClinVar's aggregate classification.

Dr. Peter K. Rogan Lab, Western University
No classification provided (evidence only). Condition: Gastric cancer. Review status: no classification provided. Collection method: in vitro. Allele origin: not applicable. Functional consequence: retained intron. Not counted in ClinVar's aggregate classification.

Dr. Peter K. Rogan Lab, Western University
No classification provided (evidence only). Condition: Gastric cancer. Review status: no classification provided. Collection method: in vitro. Allele origin: not applicable. Functional consequence: retained intron. Not counted in ClinVar's aggregate classification.

Dr. Peter K. Rogan Lab, Western University
No classification provided (evidence only). Condition: Uterine carcinosarcoma. Review status: no classification provided. Collection method: in vitro. Allele origin: not applicable. Functional consequence: retained intron. Not counted in ClinVar's aggregate classification.

Dr. Peter K. Rogan Lab, Western University
No classification provided (evidence only). Condition: Uterine carcinosarcoma. Review status: no classification provided. Collection method: in vitro. Allele origin: not applicable. Functional consequence: retained intron. Not counted in ClinVar's aggregate classification.

Dr. Peter K. Rogan Lab, Western University
No classification provided (evidence only). Condition: Malignant tumor of esophagus. Review status: no classification provided. Collection method: in vitro. Allele origin: not applicable. Functional consequence: retained intron. Not counted in ClinVar's aggregate classification.

Dr. Peter K. Rogan Lab, Western University
No classification provided (evidence only). Condition: Malignant tumor of esophagus. Review status: no classification provided. Collection method: in vitro. Allele origin: not applicable. Functional consequence: retained intron. Not counted in ClinVar's aggregate classification.

Dr. Peter K. Rogan Lab, Western University
No classification provided (evidence only). Condition: Malignant tumor of esophagus. Review status: no classification provided. Collection method: in vitro. Allele origin: not applicable. Functional consequence: retained intron. Not counted in ClinVar's aggregate classification.